The following is an entry in ClinVar:

ClinVar aggregate classification (germline): Uncertain significance (1 of 4 stars; one submission).

gnomAD v4.1: 5 of 1,613,852 alleles (0.00031%); highest among the groups gnomAD compares: Admixed American, 0.0017%; no homozygotes.

Submission:

Labcorp Genetics (formerly Invitae), Labcorp
Classification: Uncertain significance. Last evaluated: 2025-04-23. Review status: criteria provided, single submitter. Criteria: Invitae Variant Classification Sherloc (09022015). Collection method: clinical testing. Allele origin: germline.
Comment: This sequence change replaces arginine, which is basic and polar, with glutamine, which is neutral and polar, at codon 1089 of the SMARCA2 protein (p.Arg1089Gln). This variant is present in population databases (no rsID available, gnomAD 0.003%). This variant has not been reported in the literature in individuals affected with SMARCA2-related conditions. Invitae Evidence Modeling of protein sequence and biophysical properties (such as structural, functional, and spatial information, amino acid conservation, physicochemical variation, residue mobility, and thermodynamic stability) indicates that this missense variant is not expected to disrupt SMARCA2 protein function with a negative predictive value of 80%. In summary, the available evidence is currently insufficient to determine the role of this variant in disease. Therefore, it has been classified as a Variant of Uncertain Significance.

NM_003070.5(SMARCA2):c.3266G>A (p.Arg1089Gln)

Gene: SMARCA2 (SWI/SNF related BAF chromatin remodeling complex subunit ATPase 2; plus strand). Cytogenetic location: 9p24.3.
Variant type: single nucleotide variant.
Coding change: c.3266G>A on transcript NM_003070.5 (MANE Select); coding-DNA position 3266, G replaced by A.
Protein change: p.Arg1089Gln; replaces arginine 1089 with glutamine.
Molecular consequence: missense variant.
Genome position (GRCh38, 1-based): chr9:2,104,143, G>A. VCF-style: chr9-2104143-G-A. GRCh37 (hg19) VCF-style: chr9-2104143-G-A.
Other names: c.3266G>A, p.Arg1089Gln (NM_001289396.2, NM_139045.4); c.3092G>A, p.Arg1031Gln (NM_001289397.2); short protein forms R1031Q, R1089Q.
Identifiers: ClinVar variation 4778468 (VCV004778468.1).